The following is an entry in ClinVar:

ClinVar aggregate classification (germline): Uncertain significance (1 of 4 stars; one submission).

Submission:

Labcorp Genetics (formerly Invitae), Labcorp
Classification: Uncertain significance. Last evaluated: 2025-09-10. Review status: criteria provided, single submitter. Criteria: Invitae Variant Classification Sherloc (09022015). Collection method: clinical testing. Allele origin: germline.
Comment: This sequence change replaces methionine, which is neutral and non-polar, with isoleucine, which is neutral and non-polar, at codon 4094 of the ANK3 protein (p.Met4094Ile). This variant is not present in population databases (gnomAD no frequency). This variant has not been reported in the literature in individuals affected with ANK3-related conditions. Invitae Evidence Modeling of protein sequence and biophysical properties (such as structural, functional, and spatial information, amino acid conservation, physicochemical variation, residue mobility, and thermodynamic stability) has been performed for this missense variant. However, the output from this modeling did not meet the statistical confidence thresholds required to predict the impact of this variant on ANK3 protein function. In summary, the available evidence is currently insufficient to determine the role of this variant in disease. Therefore, it has been classified as a Variant of Uncertain Significance.

NM_020987.5(ANK3):c.12282G>A (p.Met4094Ile)

Gene: ANK3 (ankyrin 3; minus strand). Cytogenetic location: 10q21.2.
Variant type: single nucleotide variant.
Coding change: c.12282G>A on transcript NM_020987.5 (MANE Select); coding-DNA position 12282, G replaced by A.
Protein change: p.Met4094Ile; replaces methionine 4094 with isoleucine.
Molecular consequence: missense variant.
Genome position (GRCh38, 1-based): chr10:60,067,972, C>T on the plus strand (G>A on the coding strand, the complement: ANK3 is on the minus strand). VCF-style: chr10-60067972-C-T. GRCh37 (hg19) VCF-style: chr10-61827730-C-T.
Other names: c.1845G>A, p.Met615Ile (NM_001149.4); c.4425G>A, p.Met1475Ile (NM_001204403.2); c.4446G>A, p.Met1482Ile (NM_001204404.2); c.4443G>A, p.Met1481Ile (NM_001320874.2); short protein forms M615I, M1481I, M1482I, M4094I, M1475I.
Identifiers: ClinVar variation 4738463 (VCV004738463.1).